The following is an entry in ClinVar:

ClinVar aggregate classification (germline): Likely benign. Review status: criteria provided, single submitter (1 of 4 stars). 2 submissions from 2 submitters: Likely benign (1). 1 of the submissions does not count toward it. Last evaluated 2024-11-27.

Conditions:
ARMC5-related disorder. Also called: ARMC5-related condition.

Allele frequency attached by ClinVar (database versions not stated): ESP Exome Variant Server 0.05555; TOPMed 0.06100; 1000 Genomes Project 0.10124; 1000 Genomes Project 30x 0.10181.
gnomAD v4.1: 35,175 of 1,605,468 alleles (2.2%); highest among the groups gnomAD compares: African/African-American, 18%; 3,062 homozygotes.

Submissions (27):

Blueprint Genetics
Classification: Likely benign. Last evaluated: 2024-11-27. Review status: criteria provided, single submitter. Criteria: ACMG Guidelines, 2015. Collection method: clinical testing. Allele origin: germline.

PreventionGenetics, part of Exact Sciences
Classification: Benign for ARMC5-related condition. Last evaluated: 2019-06-12. Review status: no assertion criteria provided. Collection method: clinical testing. Allele origin: germline. Not counted in ClinVar's aggregate classification.
Comment: This variant is classified as benign based on ACMG/AMP sequence variant interpretation guidelines (Richards et al. 2015 PMID: 25741868, with internal and published modifications).

Dr. Peter K. Rogan Lab, Western University
No classification provided (evidence only). Condition: Lung cancer. Review status: no classification provided. Collection method: in vitro. Allele origin: not applicable. Functional consequence: retained intron. Not counted in ClinVar's aggregate classification.

Dr. Peter K. Rogan Lab, Western University
No classification provided (evidence only). Condition: Acute myeloid leukemia. Review status: no classification provided. Collection method: in vitro. Allele origin: not applicable. Functional consequence: retained intron. Not counted in ClinVar's aggregate classification.

Dr. Peter K. Rogan Lab, Western University
No classification provided (evidence only). Condition: Thyroid cancer, nonmedullary, 1. Review status: no classification provided. Collection method: in vitro. Allele origin: not applicable. Functional consequence: retained intron. Not counted in ClinVar's aggregate classification.

Dr. Peter K. Rogan Lab, Western University
No classification provided (evidence only). Condition: Cervical cancer. Review status: no classification provided. Collection method: in vitro. Allele origin: not applicable. Functional consequence: retained intron. Not counted in ClinVar's aggregate classification.

Dr. Peter K. Rogan Lab, Western University
No classification provided (evidence only). Condition: Sarcoma. Review status: no classification provided. Collection method: in vitro. Allele origin: not applicable. Functional consequence: retained intron. Not counted in ClinVar's aggregate classification.

Dr. Peter K. Rogan Lab, Western University
No classification provided (evidence only). Condition: Malignant lymphoma, large B-cell, diffuse. Review status: no classification provided. Collection method: in vitro. Allele origin: not applicable. Functional consequence: retained intron. Not counted in ClinVar's aggregate classification.

Dr. Peter K. Rogan Lab, Western University
No classification provided (evidence only). Condition: Hepatocellular carcinoma. Review status: no classification provided. Collection method: in vitro. Allele origin: not applicable. Functional consequence: retained intron. Not counted in ClinVar's aggregate classification.

Dr. Peter K. Rogan Lab, Western University
No classification provided (evidence only). Condition: Ovarian serous cystadenocarcinoma. Review status: no classification provided. Collection method: in vitro. Allele origin: not applicable. Functional consequence: retained intron. Not counted in ClinVar's aggregate classification.

Dr. Peter K. Rogan Lab, Western University
No classification provided (evidence only). Condition: Ovarian serous cystadenocarcinoma. Review status: no classification provided. Collection method: in vitro. Allele origin: not applicable. Functional consequence: retained intron. Not counted in ClinVar's aggregate classification.

Dr. Peter K. Rogan Lab, Western University
No classification provided (evidence only). Condition: Ovarian serous cystadenocarcinoma. Review status: no classification provided. Collection method: in vitro. Allele origin: not applicable. Functional consequence: retained intron. Not counted in ClinVar's aggregate classification.

Dr. Peter K. Rogan Lab, Western University
No classification provided (evidence only). Condition: Ovarian serous cystadenocarcinoma. Review status: no classification provided. Collection method: in vitro. Allele origin: not applicable. Functional consequence: retained intron. Not counted in ClinVar's aggregate classification.

Dr. Peter K. Rogan Lab, Western University
No classification provided (evidence only). Condition: Gastric cancer. Review status: no classification provided. Collection method: in vitro. Allele origin: not applicable. Functional consequence: retained intron. Not counted in ClinVar's aggregate classification.

Dr. Peter K. Rogan Lab, Western University
No classification provided (evidence only). Condition: Gastric cancer. Review status: no classification provided. Collection method: in vitro. Allele origin: not applicable. Functional consequence: retained intron. Not counted in ClinVar's aggregate classification.

Dr. Peter K. Rogan Lab, Western University
No classification provided (evidence only). Condition: Gastric cancer. Review status: no classification provided. Collection method: in vitro. Allele origin: not applicable. Functional consequence: retained intron. Not counted in ClinVar's aggregate classification.

Dr. Peter K. Rogan Lab, Western University
No classification provided (evidence only). Condition: Gastric cancer. Review status: no classification provided. Collection method: in vitro. Allele origin: not applicable. Functional consequence: retained intron. Not counted in ClinVar's aggregate classification.

Dr. Peter K. Rogan Lab, Western University
No classification provided (evidence only). Condition: Gastric cancer. Review status: no classification provided. Collection method: in vitro. Allele origin: not applicable. Functional consequence: retained intron. Not counted in ClinVar's aggregate classification.

Dr. Peter K. Rogan Lab, Western University
No classification provided (evidence only). Condition: Gastric cancer. Review status: no classification provided. Collection method: in vitro. Allele origin: not applicable. Functional consequence: retained intron. Not counted in ClinVar's aggregate classification.

Dr. Peter K. Rogan Lab, Western University
No classification provided (evidence only). Condition: Gastric cancer. Review status: no classification provided. Collection method: in vitro. Allele origin: not applicable. Functional consequence: retained intron. Not counted in ClinVar's aggregate classification.

Dr. Peter K. Rogan Lab, Western University
No classification provided (evidence only). Condition: Gastric cancer. Review status: no classification provided. Collection method: in vitro. Allele origin: not applicable. Functional consequence: retained intron. Not counted in ClinVar's aggregate classification.

Dr. Peter K. Rogan Lab, Western University
No classification provided (evidence only). Condition: Uterine carcinosarcoma. Review status: no classification provided. Collection method: in vitro. Allele origin: not applicable. Functional consequence: retained intron. Not counted in ClinVar's aggregate classification.

Dr. Peter K. Rogan Lab, Western University
No classification provided (evidence only). Condition: Uterine carcinosarcoma. Review status: no classification provided. Collection method: in vitro. Allele origin: not applicable. Functional consequence: retained intron. Not counted in ClinVar's aggregate classification.

Dr. Peter K. Rogan Lab, Western University
No classification provided (evidence only). Condition: Malignant tumor of esophagus. Review status: no classification provided. Collection method: in vitro. Allele origin: not applicable. Functional consequence: retained intron. Not counted in ClinVar's aggregate classification.

Dr. Peter K. Rogan Lab, Western University
No classification provided (evidence only). Condition: Malignant tumor of esophagus. Review status: no classification provided. Collection method: in vitro. Allele origin: not applicable. Functional consequence: retained intron. Not counted in ClinVar's aggregate classification.

Dr. Peter K. Rogan Lab, Western University
No classification provided (evidence only). Condition: Malignant tumor of esophagus. Review status: no classification provided. Collection method: in vitro. Allele origin: not applicable. Functional consequence: retained intron. Not counted in ClinVar's aggregate classification.

Dr. Peter K. Rogan Lab, Western University
No classification provided (evidence only). Condition: Malignant tumor of esophagus. Review status: no classification provided. Collection method: in vitro. Allele origin: not applicable. Functional consequence: retained intron. Not counted in ClinVar's aggregate classification.

NM_001105247.2(ARMC5):c.2058G>A (p.Ala686=)

Gene: ARMC5 (armadillo repeat containing 5; plus strand). Cytogenetic location: 16p11.2.
Variant type: single nucleotide variant.
Coding change: c.2058G>A on transcript NM_001105247.2 (MANE Select); coding-DNA position 2058, G replaced by A.
Protein change: p.Ala686=; no amino-acid change (alanine 686 retained).
Molecular consequence: synonymous variant. On other transcripts: 3 prime UTR variant (1).
Genome position (GRCh38, 1-based): chr16:31,466,139, G>A. VCF-style: chr16-31466139-G-A. GRCh37 (hg19) VCF-style: chr16-31477460-G-A.
Other names: NC_000016.9:g.31477460G>A; c.2343G>A, p.Ala781= (NM_001288767.2); c.2154G>A, p.Ala718= (NM_001301820.1); c.*938G>A (NM_024742.2).
Identifiers: ClinVar variation 3037824 (VCV003037824.4), dbSNP rs11863886, ClinGen allele CA8029958.
Genomic context (GRCh38, chr16:31,466,139, plus strand): 5'-GAAGCCCTCTCTGTGGCGCCGGCTGCTTCTGGAGCAGGGTGGTCTCCGGCTCCTCCTTGC[G>A]GCGCTGACCCGGCCGGCCCCACACCCGCTCTTCCTCTTCTTTGCCGCGGACTCCCTTTCC-3'
Protein context (NP_001098717.1, residues 676-696): LEQGGLRLLL[Ala686=]ALTRPAPHPL